The following is an entry in ClinVar:

ClinVar aggregate classification (germline): Uncertain significance (1 of 4 stars; one submission).

Conditions:
Inborn genetic diseases. Identifiers: MedGen C0950123, MeSH D030342.

Submission:

Ambry Genetics
Classification: Uncertain significance for Inborn genetic diseases. Last evaluated: 2025-04-11. Review status: criteria provided, single submitter. Criteria: Ambry Variant Classification Scheme 2023. Collection method: clinical testing. Allele origin: germline.
Comment: The p.P244L variant (also known as c.731C>T), located in coding exon 6 of the DNMT3A gene, results from a C to T substitution at nucleotide position 731. The proline at codon 244 is replaced by leucine, an amino acid with similar properties. This amino acid position is conserved. In addition, the in silico prediction for this alteration is inconclusive. Based on the available evidence, the clinical significance of this variant remains unclear.

NM_022552.5(DNMT3A):c.731C>T (p.Pro244Leu)

Gene: DNMT3A (DNA methyltransferase 3 alpha; minus strand). Cytogenetic location: 2p23.3.
Variant type: single nucleotide variant.
Coding change: c.731C>T on transcript NM_022552.5 (MANE Select); coding-DNA position 731, C replaced by T.
Protein change: p.Pro244Leu; replaces proline 244 with leucine.
Molecular consequence: missense variant. On other transcripts: non-coding transcript variant (1).
Genome position (GRCh38, 1-based): chr2:25,248,161, G>A on the plus strand (C>T on the coding strand, the complement: DNMT3A is on the minus strand). VCF-style: chr2-25248161-G-A. GRCh37 (hg19) VCF-style: chr2-25471030-G-A.
Other names: c.275C>T, p.Pro92Leu (NM_001320893.1); c.62C>T, p.Pro21Leu (NM_001375819.1); c.164C>T, p.Pro55Leu (NM_153759.3); c.731C>T, p.Pro244Leu (NM_175629.2); short protein forms P244L, P21L, P55L, P92L.
Identifiers: ClinVar variation 4013909 (VCV004013909.1).